The following is an entry in ClinVar:

ClinVar aggregate classification (germline): Uncertain significance (1 of 4 stars; one submission).

Submission:

GeneDx
Classification: Uncertain significance. Last evaluated: 2023-01-05. Review status: criteria provided, single submitter. Criteria: GeneDx Variant Classification Process June 2021. Collection method: clinical testing. Allele origin: germline. Affected: yes.
Comment: Not observed at significant frequency in large population cohorts (gnomAD); In silico analysis supports that this missense variant does not alter protein structure/function; Has not been previously published as pathogenic or benign to our knowledge

NM_145038.5(DRC1):c.1277A>G (p.His426Arg)

Gene: DRC1 (dynein regulatory complex subunit 1; plus strand). Cytogenetic location: 2p23.3.
Variant type: single nucleotide variant.
Coding change: c.1277A>G on transcript NM_145038.5 (MANE Select); coding-DNA position 1277, A replaced by G.
Protein change: p.His426Arg; replaces histidine 426 with arginine.
Molecular consequence: missense variant.
Genome position (GRCh38, 1-based): chr2:26,444,829, A>G. VCF-style: chr2-26444829-A-G. GRCh37 (hg19) VCF-style: chr2-26667697-A-G.
Other names: short protein forms H426R.
Identifiers: ClinVar variation 2571772 (VCV002571772.1), dbSNP rs1558451805, ClinGen allele CA346110584.
Genomic context (GRCh38, chr2:26,444,829, plus strand): 5'-AAGAGGAGGCGAAGGACCTAATAGCCAGAGCCTTTGATGTGGACAGGATCATCCACACCC[A>G]TCATCTGGGGCTTCCCTGGGCAGCACCTGATTTCTGGTTCCTGAACAATGTTGGGCCTAT-3'
Protein context (NP_659475.2, residues 416-436): AFDVDRIIHT[His426Arg]HLGLPWAAPD